The following is an entry in ClinVar:

ClinVar aggregate classification (germline): Likely pathogenic (1 of 4 stars; one submission).

Conditions:
Neuronal ceroid lipofuscinosis 1 (CLN1). Also called: PPT1-Related Neuronal Ceroid-Lipofuscinosis; CEROID LIPOFUSCINOSIS, NEURONAL, 1, VARIABLE AGE AT ONSET. Identifiers: Orphanet 228329, MedGen C1850451, MONDO:0009744, OMIM 256730.

gnomAD v4.1: 1 of 1,608,582 alleles (0.000062%); highest among the groups gnomAD compares: East Asian, 0.0022%; no homozygotes.

Submission:

First Genomix Gene Laboratory, Genetic Diagnostics Department
Classification: Likely pathogenic for Neuronal ceroid lipofuscinosis 1. Last evaluated: 2025-07-14. Review status: criteria provided, single submitter. Criteria: ACMG Guidelines, 2015. Collection method: clinical testing. Allele origin: germline. Inheritance: Autosomal recessive inheritance. Affected: no. Observed: 1 variant allele.

NM_000310.4(PPT1):c.224C>A (p.Thr75Asn)

Gene: PPT1 (palmitoyl-protein thioesterase 1; minus strand). Cytogenetic location: 1p34.2.
Variant type: single nucleotide variant.
Coding change: c.224C>A on transcript NM_000310.4 (MANE Select); coding-DNA position 224, C replaced by A.
Protein change: p.Thr75Asn; replaces threonine 75 with asparagine.
Molecular consequence: missense variant. On other transcripts: intron variant (1).
Genome position (GRCh38, 1-based): chr1:40,092,408, G>T on the plus strand (C>A on the coding strand, the complement: PPT1 is on the minus strand). VCF-style: chr1-40092408-G-T. GRCh37 (hg19) VCF-style: chr1-40558080-G-T.
Other names: c.224C>A, p.Thr75Asn (NM_001363695.2); c.125-2896C>A (NM_001142604.2); short protein forms T75N.
Identifiers: ClinVar variation 4849359 (VCV004849359.1).